The following is an entry in ClinVar:

ClinVar aggregate classification (germline): Conflicting classifications of pathogenicity. Review status: criteria provided, conflicting classifications (1 of 4 stars). 2 submissions from 2 submitters: Uncertain significance (1); Likely benign (1). Last evaluated 2026-09-08.

Conditions:
Pancreatic adenocarcinoma. Identifiers: MedGen C0281361, MONDO:0006047, HP:0006725.

gnomAD v4.1: 8 of 1,486,636 alleles (0.00054%); highest among the groups gnomAD compares: East Asian, 0.016%; no homozygotes.

Submissions (2):

Ambry Genetics
Classification: Likely benign. Last evaluated: 2026-09-08. Review status: criteria provided, single submitter. Criteria: Ambry Variant Classification Scheme 2023. Collection method: clinical testing. Allele origin: germline.

Labcorp Genetics (formerly Invitae), Labcorp
Classification: Uncertain significance for Pancreatic adenocarcinoma. Last evaluated: 2024-03-11. Review status: criteria provided, single submitter. Criteria: Invitae Variant Classification Sherloc (09022015). Collection method: clinical testing. Allele origin: germline.
Comment: This sequence change replaces alanine, which is neutral and non-polar, with valine, which is neutral and non-polar, at codon 168 of the PALLD protein (p.Ala168Val). The frequency data for this variant in the population databases is considered unreliable, as metrics indicate poor data quality at this position in the gnomAD database. This variant has not been reported in the literature in individuals affected with PALLD-related conditions. An algorithm developed to predict the effect of missense changes on protein structure and function (PolyPhen-2) suggests that this variant is likely to be tolerated. In summary, the available evidence is currently insufficient to determine the role of this variant in disease. Therefore, it has been classified as a Variant of Uncertain Significance.

NM_001166108.2(PALLD):c.1965-12528C>T

Gene: PALLD (palladin, cytoskeletal associated protein; plus strand). Cytogenetic location: 4q32.3.
Variant type: single nucleotide variant.
Coding change: c.1965-12528C>T on transcript NM_001166108.2 (MANE Select); 12528 bases into the intron before coding-DNA position 1965, C replaced by T.
Molecular consequence: intron variant. On other transcripts: missense variant (1).
Genome position (GRCh38, 1-based): chr4:168,878,394, C>T. VCF-style: chr4-168878394-C-T. GRCh37 (hg19) VCF-style: chr4-169799545-C-T.
Other names: c.503C>T (NM_001166110.1); c.503C>T, p.Ala168Val (NM_001166110.2); c.1965-12528C>T (NM_016081.4); c.819-12528C>T (NM_001166109.2); c.-157-12528C>T (NM_001367570.1, NM_001367568.1, NM_001367567.1 and 1 more transcripts); short protein forms A168V.
Identifiers: ClinVar variation 3618502 (VCV003618502.3).